The following is an entry in ClinVar:

NM_007078.3(LDB3):c.116_245+122del

Gene: LDB3 (LIM domain binding 3; plus strand). Cytogenetic location: 10q23.2.
Variant type: Deletion.
Coding change: c.116_245+122del on transcript NM_007078.3 (MANE Select); coding-DNA position 116 through 122 bases into the intron after coding-DNA position 245, 252 bases deleted.
Molecular consequence: splice donor variant.
Genome position (GRCh38, 1-based): chr10:86,679,389-86,679,640, 252 bases deleted. GRCh37 (hg19): chr10:88,439,146-88,439,397.
Other names: c.116_245+122del (NM_001368064.1, NM_001368063.1, NM_001368068.1 and 8 more transcripts).
Identifiers: ClinVar variation 1797508 (VCV001797508.3), dbSNP rs2492563361, ClinGen allele CA2580082292.

ClinVar aggregate classification (germline): Uncertain significance (1 of 4 stars; one submission).

Conditions:
Cardiovascular phenotype. Identifiers: MedGen CN230736.

Submission:

Ambry Genetics
Classification: Uncertain significance for Cardiovascular phenotype. Last evaluated: 2023-04-21. Review status: criteria provided, single submitter. Criteria: Ambry Variant Classification Scheme 2023. Collection method: clinical testing. Allele origin: germline.
Comment: The c.112_245+118del252 gross deletion includes at least a portion of coding exon 2 in the LDB3 gene. This alteration is expected to result in an abnormal transcript, a translational frameshift leading to premature truncation, or nonsense-mediated mRNA decay. However, loss of function of LDB3 has not been clearly established as a mechanism of disease. Since supporting evidence is limited at this time, the clinical significance of this alteration remains unclear.